The following is an entry in ClinVar:

ClinVar aggregate classification (germline): Pathogenic/Likely pathogenic. Review status: criteria provided, multiple submitters, no conflicts (2 of 4 stars). 3 submissions from 3 submitters: Pathogenic (2); Likely pathogenic (1). Last evaluated 2025-05-01.

Submissions (3):

GeneDx
Classification: Likely pathogenic. Last evaluated: 2025-05-01. Review status: criteria provided, single submitter. Criteria: GeneDx Variant Classification Process June 2021. Collection method: clinical testing. Allele origin: germline. Affected: yes.
Comment: Identified as a maternally inherited variant in a patient with a clinical diagnosis of acroscyphodysplasia in published literature (PMID: 25044890); Nonsense variant predicted to result in protein truncation or nonsense mediated decay in a gene for which loss of function is a known mechanism of disease; Not observed at significant frequency in large population cohorts (gnomAD); This variant is associated with the following publications: (PMID: 31546270, 25044890, 31886927)

Labcorp Genetics (formerly Invitae), Labcorp
Classification: Pathogenic. Last evaluated: 2025-03-07. Review status: criteria provided, single submitter. Criteria: Invitae Variant Classification Sherloc (09022015). Collection method: clinical testing. Allele origin: germline.
Comment: This sequence change creates a premature translational stop signal (p.Gln19*) in the GNAS gene. It is expected to result in an absent or disrupted protein product. Loss-of-function variants in GNAS are known to be pathogenic (PMID: 11784876, 23281139, 23796510, 25802881). This variant is not present in population databases (gnomAD no frequency). This premature translational stop signal has been observed in individual(s) with GNAS-related conditons (PMID: 25044890). ClinVar contains an entry for this variant (Variation ID: 1338314). For these reasons, this variant has been classified as Pathogenic.

Genetic Services Laboratory, University of Chicago
Classification: Pathogenic. Last evaluated: 2018-03-28. Review status: criteria provided, single submitter. Criteria: ACMG Guidelines, 2015. Collection method: clinical testing. Allele origin: germline. Affected: yes.

Literature cited by the submitters: PubMed 11784876 (cited by Labcorp Genetics (formerly Invitae), Labcorp); PubMed 23281139 (cited by Labcorp Genetics (formerly Invitae), Labcorp); PubMed 23796510 (cited by Labcorp Genetics (formerly Invitae), Labcorp); PubMed 25802881 (cited by Labcorp Genetics (formerly Invitae), Labcorp); PubMed 25044890 (cited by Labcorp Genetics (formerly Invitae), Labcorp).

NM_000516.7(GNAS):c.55C>T (p.Gln19Ter)

Gene: GNAS (GNAS complex locus; plus strand). Cytogenetic location: 20q13.32.
Variant type: single nucleotide variant.
Coding change: c.55C>T on transcript NM_000516.7 (MANE Select); coding-DNA position 55, C replaced by T.
Protein change: p.Gln19Ter; replaces glutamine 19 with a stop codon.
Molecular consequence: nonsense. On other transcripts: intron variant (6).
Genome position (GRCh38, 1-based): chr20:58,891,781, C>T. VCF-style: chr20-58891781-C-T. GRCh37 (hg19) VCF-style: chr20-57466836-C-T.
Other names: c.55C>T, p.Gln19Ter (NM_001077488.5, NM_001077489.4, NM_001309842.2 and 1 more transcripts); c.*43-3831C>T (NM_016592.5); c.-38-3831C>T (NM_001309861.2); c.*1-3831C>T (NM_001077490.3); c.2069-3831C>T (NM_080425.4); c.*159-3831C>T (NM_001309883.1); c.-39+2428C>T (NM_001309840.2); c.55C>T (NM_000516.4); short protein forms Q19*.
Identifiers: ClinVar variation 1338314 (VCV001338314.6), dbSNP rs2089380075, ClinGen allele CA409448737.